The following is an entry in ClinVar:

NM_002295.6(RPSA):c.491A>T (p.Asn164Ile)

Gene: RPSA (ribosomal protein SA; plus strand). Cytogenetic location: 3p22.1.
Variant type: single nucleotide variant.
Coding change: c.491A>T on transcript NM_002295.6 (MANE Select); coding-DNA position 491, A replaced by T.
Protein change: p.Asn164Ile; replaces asparagine 164 with isoleucine.
Molecular consequence: missense variant.
Genome position (GRCh38, 1-based): chr3:39,410,992, A>T. VCF-style: chr3-39410992-A-T. GRCh37 (hg19) VCF-style: chr3-39452483-A-T.
Other names: NM_001304288.2:c.506A>T; c.491A>T, p.Asn164Ile (NM_001012321.1); c.506A>T, p.Asn169Ile (NM_001304288.2); short protein forms N169I, N164I.
Identifiers: ClinVar variation 2412689 (VCV002412689.1), dbSNP rs2470585345, ClinGen allele CA352213541.
Genomic context (GRCh38, chr3:39,410,992, plus strand): 5'-CCATTGCGCTGTGTAACACAGATTCTCCTCTGCGCTATGTGGACATTGCCATCCCATGCA[A>T]CAACAAGGTAATGATTTTAGGATCTAGAGTTTGTGAATGCGTGCTCTAGAAAAAACATTC-3'
Protein context (NP_002286.2, residues 154-174): LRYVDIAIPC[Asn164Ile]NKGAHSVGLM

ClinVar aggregate classification (germline): Uncertain significance (1 of 4 stars; one submission).

Conditions:
Familial isolated congenital asplenia. Also called: ASPLENIA, FAMILIAL; HYPOSPLENIA, ISOLATED CONGENITAL; Asplenia, isolated congenital. Identifiers: Orphanet 101351, MedGen C0685889, MONDO:0010066, OMIM 271400.

Submission:

Broad Center for Mendelian Genomics, Broad Institute of MIT and Harvard
Classification: Uncertain significance for Familial isolated congenital asplenia. Last evaluated: 2023-01-25. Review status: criteria provided, single submitter. Criteria: ACMG Guidelines, 2015. Collection method: curation. Allele origin: germline. Inheritance: Autosomal dominant inheritance.
Comment: The p.Asn164Ile variant in RPSA has not been previously reported in individuals with isolated congenital asplenia. This variant was absent from large population studies. Computational prediction tools and conservation analyses suggest that this variant may impact the protein, though this information is not predictive enough to determine pathogenicity. In summary, the clinical significance of the p.Asn164Ile variant is uncertain. ACMG/AMP Criteria applied: PM2_Supporting, PP3 (Richards 2015).